The following is an entry in ClinVar:

NM_024422.6(DSC2):c.2040T>G (p.Arg680=)

Gene: DSC2 (desmocollin 2; minus strand). Cytogenetic location: 18q12.1.
Variant type: single nucleotide variant.
Coding change: c.2040T>G on transcript NM_024422.6 (MANE Select); coding-DNA position 2040, T replaced by G.
Protein change: p.Arg680=; no amino-acid change (arginine 680 retained).
Molecular consequence: synonymous variant.
Genome position (GRCh38, 1-based): chr18:31,071,690, A>C on the plus strand (T>G on the coding strand, the complement: DSC2 is on the minus strand). VCF-style: chr18-31071690-A-C. GRCh37 (hg19) VCF-style: chr18-28651656-A-C.
Other names: c.1611T>G, p.Arg537= (NM_001406506.1, NM_001406507.1); c.2040T>G, p.Arg680= (NM_004949.5).
Identifiers: ClinVar variation 3072933 (VCV003072933.1), dbSNP rs975331812, ClinGen allele CA503527759.

ClinVar aggregate classification (germline): Uncertain significance (1 of 4 stars; one submission).

Conditions:
Familial isolated arrhythmogenic right ventricular dysplasia. Identifiers: Orphanet 217656, MedGen C4274968, MONDO:0016342.

Submission:

All of Us Research Program, National Institutes of Health
Classification: Uncertain significance for Familial isolated arrhythmogenic right ventricular dysplasia. Last evaluated: 2023-08-15. Review status: criteria provided, single submitter. Criteria: ACMG Guidelines, 2015. Collection method: clinical testing. Allele origin: germline. Inheritance: Autosomal dominant inheritance. Observed: 1 variant allele, 1 heterozygote.
Comment: This variant is located in the DSC2 protein. To our knowledge, functional studies have not been reported for this variant. This variant has not been reported in individuals affected with DSC2-related disorders in the literature. This variant has not been identified in the general population by the Genome Aggregation Database (gnomAD). The available evidence is insufficient to determine the role of this variant in disease conclusively. Therefore, this variant is classified as a Variant of Uncertain Significance.

This study involves interpretation of variants in research participants for the purpose of population health screening. Participant phenotype was not available at the time of variant classification. Additional details can be found in publication PMID: 35346344, PMCID: PMC8962531